The following is an entry in ClinVar:

NM_020975.6(RET):c.2111T>C (p.Val704Ala)

Gene: RET (ret proto-oncogene; plus strand). Cytogenetic location: 10q11.21.
Variant type: single nucleotide variant.
Coding change: c.2111T>C on transcript NM_020975.6 (MANE Select); coding-DNA position 2111, T replaced by C.
Protein change: p.Val704Ala; replaces valine 704 with alanine.
Molecular consequence: missense variant.
Genome position (GRCh38, 1-based): chr10:43,114,711, T>C. VCF-style: chr10-43114711-T-C. GRCh37 (hg19) VCF-style: chr10-43610159-T-C.
Other names: c.2111T>C, p.Val704Ala (NM_000323.2, NM_001406743.1, NM_001406744.1 and 4 more transcripts); c.1349T>C, p.Val450Ala (NM_001355216.2); c.1982T>C, p.Val661Ala (NM_001406761.1, NM_001406762.1, NM_001406764.1); c.1976T>C, p.Val659Ala (NM_001406763.1, NM_001406765.1); c.1823T>C, p.Val608Ala (NM_001406766.1, NM_001406767.1, NM_001406770.1); c.1847T>C, p.Val616Ala (NM_001406768.1); c.1715T>C, p.Val572Ala (NM_001406769.1, NM_001406772.1); c.1673T>C, p.Val558Ala (NM_001406771.1, NM_001406773.1); and 10 more; short protein forms V450A, V704A, V362A, V529A, V221A, V269A, V365A, V309A.
Identifiers: ClinVar variation 1678413 (VCV001678413.6), dbSNP rs770155054, ClinGen allele CA376553337.

ClinVar aggregate classification (germline): Uncertain significance. Review status: criteria provided, multiple submitters, no conflicts (2 of 4 stars). 3 submissions from 3 submitters: Uncertain significance (3). Last evaluated 2025-04-11.

Conditions:
Hereditary cancer-predisposing syndrome. Also called: Hereditary neoplastic syndrome; Neoplastic Syndromes, Hereditary; Tumor predisposition; Hereditary Cancer Syndrome. Identifiers: Orphanet 140162, MedGen C0027672, MeSH D009386, MONDO:0015356.
Multiple endocrine neoplasia, type 2 (MEN2). Identifiers: Orphanet 653, MedGen C4048306, MONDO:0019003. Disease mechanism: gain of function.

Submissions (3):

Ambry Genetics
Classification: Uncertain significance for Hereditary cancer-predisposing syndrome. Last evaluated: 2025-04-11. Review status: criteria provided, single submitter. Criteria: Ambry Variant Classification Scheme 2023. Collection method: clinical testing. Allele origin: germline.
Comment: The p.V704A variant (also known as c.2111T>C), located in coding exon 11 of the RET gene, results from a T to C substitution at nucleotide position 2111. The valine at codon 704 is replaced by alanine, an amino acid with similar properties. This amino acid position is well conserved in available vertebrate species. In addition, the in silico prediction for this alteration is inconclusive. Based on the available evidence, the clinical significance of this variant remains unclear.

Labcorp Genetics (formerly Invitae), Labcorp
Classification: Uncertain significance for Multiple endocrine neoplasia, type 2. Last evaluated: 2025-01-11. Review status: criteria provided, single submitter. Criteria: Invitae Variant Classification Sherloc (09022015). Collection method: clinical testing. Allele origin: germline.
Comment: This sequence change replaces valine, which is neutral and non-polar, with alanine, which is neutral and non-polar, at codon 704 of the RET protein (p.Val704Ala). This variant is not present in population databases (gnomAD no frequency). This variant has not been reported in the literature in individuals affected with RET-related conditions. ClinVar contains an entry for this variant (Variation ID: 1678413). An algorithm developed to predict the effect of missense changes on protein structure and function (PolyPhen-2) suggests that this variant is likely to be tolerated. In summary, the available evidence is currently insufficient to determine the role of this variant in disease. Therefore, it has been classified as a Variant of Uncertain Significance.

AiLife Diagnostics
Classification: Uncertain significance. Last evaluated: 2021-06-04. Review status: criteria provided, single submitter. Criteria: ACMG Guidelines, 2015. Collection method: clinical testing. Allele origin: germline. Affected: yes. Observed: 1 variant allele.